The following is an entry in ClinVar:

NM_000553.6(WRN):c.1862dup (p.Ala622fs)

Gene: WRN (WRN RecQ like helicase; plus strand). Cytogenetic location: 8p12.
Variant type: Duplication.
Coding change: c.1862dup on transcript NM_000553.6 (MANE Select); coding-DNA position 1862, one base duplicated (C; older notation c.1862dupC).
Protein change: p.Ala622fs; shifts the reading frame from alanine 622.
Molecular consequence: frameshift variant.
Genome position (GRCh38, 1-based): chr8:31,091,862, C duplicated. VCF-style (leftmost placement, unchanged base first): chr8-31091861-T-TC. GRCh37 (hg19) VCF-style: chr8-30949377-T-TC.
Other names: short protein forms A622fs.
Identifiers: ClinVar variation 1456412 (VCV001456412.6), dbSNP rs2130178691, ClinGen allele CA2573142731.
Genomic context (GRCh38, chr8:31,091,861, plus strand): 5'-TGCCAGAATATTTGTTTTTCTTCTTATAGAATGTCCAACATCCCAGCTTGCTTCCTTGGA[T>TC]CAGCACAGTCAGAAAATGTTCTAACAGATATTAAATTGTGAGTAATTTTTTTCCCTCAAC-3'

ClinVar aggregate classification (germline): Pathogenic (1 of 4 stars; one submission).

Conditions:
Werner syndrome (WRN). Identifiers: Orphanet 902, MedGen C0043119, MONDO:0010196, OMIM 277700.

Submission:

Labcorp Genetics (formerly Invitae), Labcorp
Classification: Pathogenic for Werner syndrome. Last evaluated: 2021-01-20. Review status: criteria provided, single submitter. Criteria: Invitae Variant Classification Sherloc (09022015). Collection method: clinical testing. Allele origin: germline.
Comment: For these reasons, this variant has been classified as Pathogenic. This variant has not been reported in the literature in individuals with WRN-related conditions. This variant is not present in population databases (ExAC no frequency). This sequence change creates a premature translational stop signal (p.Ala622Serfs*11) in the WRN gene. It is expected to result in an absent or disrupted protein product. Loss-of-function variants in WRN are known to be pathogenic (PMID: 16673358).

Literature cited by the submitters: PubMed 16673358.